The following is an entry in ClinVar:

ClinVar aggregate classification (germline): Benign. Review status: criteria provided, multiple submitters, no conflicts (2 of 4 stars). 3 submissions from 2 submitters: Benign (3). Last evaluated 2018-01-13.

Conditions:
Autosomal dominant hypophosphatemic rickets (ADHR). Also called: HYPOPHOSPHATEMIA, AUTOSOMAL DOMINANT; VITAMIN D-RESISTANT RICKETS, AUTOSOMAL DOMINANT. Identifiers: Orphanet 89937, MedGen C0342642, MONDO:0008660, OMIM 193100.
Tumoral calcinosis, hyperphosphatemic, familial, 2. Identifiers: MedGen C4693863, MONDO:0060714, OMIM 617993.

Allele frequency attached by ClinVar (database versions not stated): gnomAD exomes 0.00512 and 0.01637; ESP Exome Variant Server 0.00569; gnomAD 0.00893 and 0.01024; TOPMed 0.01277; ExAC 0.01537; 1000 Genomes Project 30x 0.03045; 1000 Genomes Project 0.03055.
gnomAD v4.1: 9,359 of 1,608,806 alleles (0.58%); highest among the groups gnomAD compares: Admixed American, 4.5%; 218 homozygotes.

Submissions (3):

Illumina Laboratory Services, Illumina
Classification: Benign for Autosomal dominant hypophosphatemic rickets. Last evaluated: 2018-01-13. Review status: criteria provided, single submitter. Criteria: ICSL Variant Classification Criteria 13 December 2019. Collection method: clinical testing. Allele origin: germline.
Comment: This variant was observed in the ICSL laboratory as part of a predisposition screen in an ostensibly healthy population. It had not been previously curated by ICSL or reported in the Human Gene Mutation Database (HGMD: prior to June 1st, 2018), and was therefore a candidate for classification through an automated scoring system. Utilizing variant allele frequency, disease prevalence and penetrance estimates, and inheritance mode, an automated score was calculated to assess if this variant is too frequent to cause the disease. Based on the score and internal cut-off values, a variant classified as benign is not then subjected to further curation. The score for this variant resulted in a classification of benign for this disease.

Illumina Laboratory Services, Illumina
Classification: Benign for Tumoral calcinosis, hyperphosphatemic, familial, 2. Last evaluated: 2018-01-13. Review status: criteria provided, single submitter. Criteria: ICSL Variant Classification Criteria 13 December 2019. Collection method: clinical testing. Allele origin: germline.
Comment: the same text as in the submission from Illumina Laboratory Services, Illumina above.

Breakthrough Genomics
Classification: Benign. Review status: criteria provided, single submitter. Criteria: ACMG Guidelines, 2015. Collection method: not provided. Allele origin: germline. Inheritance: Autosomal recessive inheritance. Affected: yes.

NM_020638.3(FGF23):c.*23T>G

Gene: FGF23 (fibroblast growth factor 23; minus strand). Cytogenetic location: 12p13.32.
Variant type: single nucleotide variant.
Coding change: c.*23T>G on transcript NM_020638.3 (MANE Select); 23 bases downstream of the stop codon, T replaced by G.
Molecular consequence: 3 prime UTR variant.
Genome position (GRCh38, 1-based): chr12:4,370,320, A>C on the plus strand (T>G on the coding strand, the complement: FGF23 is on the minus strand). VCF-style: chr12-4370320-A-C. GRCh37 (hg19) VCF-style: chr12-4479486-A-C.
Identifiers: ClinVar variation 308802 (VCV000308802.6), dbSNP rs13312794, ClinGen allele CA6395601.